The following is an entry in ClinVar:

ClinVar aggregate classification (germline): Uncertain significance (1 of 4 stars; one submission).

Submission:

Labcorp Genetics (formerly Invitae), Labcorp
Classification: Uncertain significance. Last evaluated: 2023-06-27. Review status: criteria provided, single submitter. Criteria: Invitae Variant Classification Sherloc (09022015). Collection method: clinical testing. Allele origin: germline.
Comment: In summary, the available evidence is currently insufficient to determine the role of this variant in disease. Therefore, it has been classified as a Variant of Uncertain Significance. Advanced modeling of protein sequence and biophysical properties (such as structural, functional, and spatial information, amino acid conservation, physicochemical variation, residue mobility, and thermodynamic stability) has been performed at Invitae for this missense variant, however the output from this modeling did not meet the statistical confidence thresholds required to predict the impact of this variant on ADCY5 protein function. This variant has not been reported in the literature in individuals affected with ADCY5-related conditions. This variant is not present in population databases (gnomAD no frequency). This sequence change replaces valine, which is neutral and non-polar, with methionine, which is neutral and non-polar, at codon 1227 of the ADCY5 protein (p.Val1227Met).

NM_183357.3(ADCY5):c.3679G>A (p.Val1227Met)

Gene: ADCY5 (adenylate cyclase 5; minus strand). Cytogenetic location: 3q21.1.
Variant type: single nucleotide variant.
Coding change: c.3679G>A on transcript NM_183357.3 (MANE Select); coding-DNA position 3679, G replaced by A.
Protein change: p.Val1227Met; replaces valine 1227 with methionine.
Molecular consequence: missense variant.
Genome position (GRCh38, 1-based): chr3:123,284,715, C>T on the plus strand (G>A on the coding strand, the complement: ADCY5 is on the minus strand). VCF-style: chr3-123284715-C-T. GRCh37 (hg19) VCF-style: chr3-123003562-C-T.
Other names: c.2629G>A, p.Val877Met (NM_001199642.1); c.3754G>A, p.Val1252Met (NM_001378259.1); short protein forms V877M, V1227M, V1252M.
Identifiers: ClinVar variation 2729973 (VCV002729973.3), dbSNP rs2472592384, ClinGen allele CA354222136.